The following is an entry in ClinVar:

NM_004568.6(SERPINB6):c.326C>T (p.Ser109Phe)

Gene: SERPINB6 (serpin family B member 6; minus strand). Cytogenetic location: 6p25.2.
Variant type: single nucleotide variant.
Coding change: c.326C>T on transcript NM_004568.6 (MANE Select); coding-DNA position 326, C replaced by T.
Protein change: p.Ser109Phe; replaces serine 109 with phenylalanine.
Molecular consequence: missense variant. On other transcripts: non-coding transcript variant (1).
Genome position (GRCh38, 1-based): chr6:2,954,696, G>A on the plus strand (C>T on the coding strand, the complement: SERPINB6 is on the minus strand). VCF-style: chr6-2954696-G-A. GRCh37 (hg19) VCF-style: chr6-2954930-G-A.
Other names: c.338C>T, p.Ser113Phe (NM_001195291.3, NM_001374515.1); c.368C>T, p.Ser123Phe (NM_001271822.2); c.383C>T, p.Ser128Phe (NM_001271823.2); c.326C>T, p.Ser109Phe (NM_001271824.2, NM_001271825.2, NM_001297699.2 and 2 more transcripts); c.194C>T, p.Ser65Phe (NM_001374517.1); short protein forms S113F, S109F, S123F, S128F, S65F.
Identifiers: ClinVar variation 3572609 (VCV003572609.1).

ClinVar aggregate classification (germline): Uncertain significance (1 of 4 stars; one submission).

Submission:

GeneDx
Classification: Uncertain significance. Last evaluated: 2024-07-10. Review status: criteria provided, single submitter. Criteria: GeneDx Variant Classification Process June 2021. Collection method: clinical testing. Allele origin: germline. Affected: yes.
Comment: Not observed at significant frequency in large population cohorts (gnomAD); In silico analysis supports that this missense variant has a deleterious effect on protein structure/function; Has not been previously published as pathogenic or benign to our knowledge; In silico analysis is inconclusive as to whether the variant alters gene splicing. In the absence of RNA/functional studies, the actual effect of this sequence change is unknown.